The following is an entry in ClinVar:

NM_000642.3(AGL):c.1033G>A (p.Gly345Ser)

Gene: AGL (amylo-alpha-1,6-glucosidase and 4-alpha-glucanotransferase; plus strand). Cytogenetic location: 1p21.2.
Variant type: single nucleotide variant.
Coding change: c.1033G>A on transcript NM_000642.3 (MANE Select); coding-DNA position 1033, G replaced by A.
Protein change: p.Gly345Ser; replaces glycine 345 with serine.
Molecular consequence: missense variant.
Genome position (GRCh38, 1-based): chr1:99,874,761, G>A. VCF-style: chr1-99874761-G-A. GRCh37 (hg19) VCF-style: chr1-100340317-G-A.
Other names: p.Gly345Ser; c.1033G>A, p.Gly345Ser (NM_000028.3, NM_000643.3, NM_000644.3 and 3 more transcripts); c.985G>A, p.Gly329Ser (NM_000646.3); c.829G>A, p.Gly277Ser (NM_001425328.1, NM_001425329.1); c.655G>A, p.Gly219Ser (NM_001425332.1); short protein forms G329S, G345S, G219S, G277S.
Identifiers: ClinVar variation 1000185 (VCV001000185.12), dbSNP rs372121829, ClinGen allele CA966354.

ClinVar aggregate classification (germline): Uncertain significance. Review status: criteria provided, multiple submitters, no conflicts (2 of 4 stars). 3 submissions from 3 submitters: Uncertain significance (2). 1 of the submissions does not count toward it. Last evaluated 2025-01-29.

Conditions:
Glycogen storage disease type III (GSD3). Also called: Cori disease; FORBES DISEASE. Identifiers: Orphanet 366, MedGen C0017922, MONDO:0009291, OMIM 232400.

Allele frequency attached by ClinVar (database versions not stated): gnomAD exomes below 0.00001; ExAC 0.00001; gnomAD 0.00002; TOPMed 0.00002; ESP Exome Variant Server 0.00008.
gnomAD v4.1: 5 of 1,613,676 alleles (0.00031%); highest among the groups gnomAD compares: African/African-American, 0.004%; no homozygotes.

Submissions (3):

Mayo Clinic Laboratories, Mayo Clinic
Classification: Uncertain significance. Last evaluated: 2025-01-29. Review status: criteria provided, single submitter. Criteria: ACMG Guidelines, 2015. Collection method: clinical testing. Allele origin: germline. Observed: 1 variant allele.

Labcorp Genetics (formerly Invitae), Labcorp
Classification: Uncertain significance for Glycogen storage disease type III. Last evaluated: 2022-07-19. Review status: criteria provided, single submitter. Criteria: Invitae Variant Classification Sherloc (09022015). Collection method: clinical testing. Allele origin: germline.
Comment: This sequence change replaces glycine, which is neutral and non-polar, with serine, which is neutral and polar, at codon 345 of the AGL protein (p.Gly345Ser). This variant is present in population databases (rs372121829, gnomAD 0.008%). This variant has not been reported in the literature in individuals affected with AGL-related conditions. ClinVar contains an entry for this variant (Variation ID: 1000185). Algorithms developed to predict the effect of missense changes on protein structure and function are either unavailable or do not agree on the potential impact of this missense change (SIFT: "Deleterious"; PolyPhen-2: "Benign"; Align-GVGD: "Class C0"). In summary, the available evidence is currently insufficient to determine the role of this variant in disease. Therefore, it has been classified as a Variant of Uncertain Significance.

Natera, Inc.
Classification: Uncertain significance for Glycogen storage disease type III. Last evaluated: 2021-08-11. Review status: no assertion criteria provided. Collection method: clinical testing. Allele origin: germline. Not counted in ClinVar's aggregate classification.